The following is an entry in ClinVar:

ClinVar aggregate classification (germline): Likely pathogenic (1 of 4 stars; one submission).

Conditions:
EEM syndrome (EEMS). Identifiers: Orphanet 1897, MedGen C1857041, MONDO:0009155, OMIM 225280.

Submission:

Centre for Mendelian Genomics, University Medical Centre Ljubljana
Classification: Likely pathogenic for EEM syndrome. Last evaluated: 2019-12-04. Review status: criteria provided, single submitter. Criteria: ACMG Guidelines, 2015. Collection method: clinical testing. Allele origin: unknown. Affected: yes.
Comment: This variant was classified as: Likely pathogenic. The following ACMG criteria were applied in classifying this variant: PVS1,PM2.

NM_001793.6(CDH3):c.2087del (p.Asp696fs)

Gene: CDH3 (cadherin 3; plus strand). Cytogenetic location: 16q22.1.
Variant type: Deletion.
Coding change: c.2087del on transcript NM_001793.6 (MANE Select); coding-DNA position 2087, one base deleted (A; older notation c.2087delA).
Protein change: p.Asp696fs; shifts the reading frame from aspartic acid 696.
Molecular consequence: frameshift variant.
Genome position (GRCh38, 1-based): chr16:68,695,339, A deleted. VCF-style (leftmost placement, unchanged base first): chr16-68695338-GA-G. GRCh37 (hg19) VCF-style: chr16-68729241-GA-G.
Other names: c.2087del, p.Asp696fs (NM_001317195.3); c.1922del, p.Asp641fs (NM_001317196.2); short protein forms D641fs, D696fs.
Identifiers: ClinVar variation 930688 (VCV000930688.3), dbSNP rs1961688932, ClinGen allele CA1139664734.